The following is an entry in ClinVar:

NM_007294.4(BRCA1):c.1747A>T (p.Lys583Ter)

Gene: BRCA1 (BRCA1 DNA repair associated; minus strand). Cytogenetic location: 17q21.31.
Variant type: single nucleotide variant.
Coding change: c.1747A>T on transcript NM_007294.4 (MANE Select); coding-DNA position 1747, A replaced by T.
Protein change: p.Lys583Ter; replaces lysine 583 with a stop codon.
Molecular consequence: nonsense. On other transcripts: intron variant (137).
Genome position (GRCh38, 1-based): chr17:43,093,784, T>A on the plus strand (A>T on the coding strand, the complement: BRCA1 is on the minus strand). VCF-style: chr17-43093784-T-A. GRCh37 (hg19) VCF-style: chr17-41245801-T-A.
Other names: c.1666A>T, p.Lys556Ter (NM_001407662.1, NM_001407659.1, NM_001407660.1 and 1 more transcripts); c.1669A>T, p.Lys557Ter (NM_001407663.1, NM_001407653.1, NM_001407654.1 and 4 more transcripts); c.1624A>T, p.Lys542Ter (NM_001407664.1, NM_001407665.1, NM_001407666.1 and 19 more transcripts); c.1621A>T, p.Lys541Ter (NM_001407670.1, NM_001407671.1, NM_001407672.1 and 11 more transcripts); c.1747A>T, p.Lys583Ter (NM_001407684.1, NM_001407854.1, NM_001407858.1 and 30 more transcripts); c.1606A>T, p.Lys536Ter (NM_001407692.1, NM_001407694.1, NM_001407695.1 and 29 more transcripts); c.1603A>T, p.Lys535Ter (NM_001407740.1, NM_001407741.1, NM_001407742.1 and 20 more transcripts); c.1534A>T, p.Lys512Ter (NM_001407853.1, NM_001407894.1, NM_001407895.1 and 9 more transcripts); and 40 more; short protein forms K583*, K536*, K287*, K471*, K494*, K512*, K582*, K455*.
Identifiers: ClinVar variation 54341 (VCV000054341.14), dbSNP rs80356928, ClinGen allele CA001145.

ClinVar aggregate classification (germline): Pathogenic. Review status: reviewed by expert panel (3 of 4 stars). 4 submissions from 4 submitters: Pathogenic (1). 3 of the submissions do not count toward it. Last evaluated 2016-09-08.

Conditions:
Hereditary breast ovarian cancer syndrome. Also called: Hereditary breast and ovarian cancer syndrome (HBOC); Hereditary breast and ovarian cancer syndrome; Hereditary breast and ovarian cancer; Hereditary breast and/or ovarian cancer syndrome; Breast and ovarian cancer; BRCA1- and BRCA2-Associated Hereditary Breast and Ovarian Cancer. Identifiers: Orphanet 145, MedGen C0677776, MeSH D061325, MONDO:0003582. Disease mechanism: loss of function.
Breast-ovarian cancer, familial, susceptibility to, 1 (BROVCA1). Also called: OVARIAN CANCER, SUSCEPTIBILITY TO; BRCA1 Hereditary Breast and Ovarian Cancer. Identifiers: Orphanet 145, MedGen C2676676, MONDO:0011450, OMIM 604370. Disease mechanism: loss of function.

Submissions (4):

Evidence-based Network for the Interpretation of Germline Mutant Alleles (ENIGMA)
Classification: Pathogenic for Breast-ovarian cancer, familial, susceptibility to, 1. Last evaluated: 2016-09-08. Review status: reviewed by expert panel. Criteria: ENIGMA BRCA1/2 Classification Criteria (2015). Collection method: curation. Allele origin: germline.
Comment: Variant allele predicted to encode a truncated non-functional protein.

Labcorp Genetics (formerly Invitae), Labcorp
Classification: Pathogenic for Hereditary breast ovarian cancer syndrome. Last evaluated: 2020-08-01. Review status: criteria provided, single submitter. Criteria: Invitae Variant Classification Sherloc (09022015). Collection method: clinical testing. Allele origin: germline. Not counted in ClinVar's aggregate classification.
Comment: This sequence change creates a premature translational stop signal (p.Lys583*) in the BRCA1 gene. It is expected to result in an absent or disrupted protein product. This variant is not present in population databases (ExAC no frequency). This variant has been observed in individual(s) with a personal and/or family history of breast and/or ovarian cancer (PMID: 16168118, 29446198). ClinVar contains an entry for this variant (Variation ID: 54341). Algorithms developed to predict the effect of sequence changes on RNA splicing suggest that this variant may create or strengthen a splice site, but this prediction has not been confirmed by published transcriptional studies. Loss-of-function variants in BRCA1 are known to be pathogenic (PMID: 20104584). For these reasons, this variant has been classified as Pathogenic.

Consortium of Investigators of Modifiers of BRCA1/2 (CIMBA), c/o University of Cambridge
Classification: Pathogenic for Breast-ovarian cancer, familial, susceptibility to, 1. Last evaluated: 2015-10-02. Review status: criteria provided, single submitter. Criteria: CIMBA Mutation Classification guidelines May 2016. Collection method: clinical testing. Allele origin: germline. Not counted in ClinVar's aggregate classification.

Breast Cancer Information Core (BIC) (BRCA1)
Classification: Pathogenic for Breast-ovarian cancer, familial 1. Last evaluated: 2004-04-23. Review status: no assertion criteria provided. Collection method: clinical testing. Allele origin: germline. Affected: yes. Observed: 1 variant allele. Not counted in ClinVar's aggregate classification.

Literature cited by the submitters: PubMed 16168118 (cited by Labcorp Genetics (formerly Invitae), Labcorp); PubMed 29446198 (cited by Labcorp Genetics (formerly Invitae), Labcorp); PubMed 20104584 (cited by Labcorp Genetics (formerly Invitae), Labcorp).